The following is an entry in ClinVar:

NM_006306.4(SMC1A):c.1149C>G (p.Ser383Arg)

Gene: SMC1A (structural maintenance of chromosomes 1A; minus strand). Cytogenetic location: Xp11.22.
Variant type: single nucleotide variant.
Coding change: c.1149C>G on transcript NM_006306.4 (MANE Select); coding-DNA position 1149, C replaced by G.
Protein change: p.Ser383Arg; replaces serine 383 with arginine.
Molecular consequence: missense variant.
Genome position (GRCh38, 1-based): chrX:53,411,866, G>C on the plus strand (C>G on the coding strand, the complement: SMC1A is on the minus strand). VCF-style: chrX-53411866-G-C. GRCh37 (hg19) VCF-style: chrX-53438816-G-C.
Other names: c.1083C>G, p.Ser361Arg (NM_001281463.1); short protein forms S361R, S383R.
Identifiers: ClinVar variation 2825832 (VCV002825832.3), dbSNP rs2520956183, ClinGen allele CA413256796.

ClinVar aggregate classification (germline): Uncertain significance (1 of 4 stars; one submission).

Conditions:
Congenital muscular hypertrophy-cerebral syndrome (CDLS2). Also called: Cornelia de Lange syndrome 2; SMC1A-Related Cornelia de Lange Syndrome. Identifiers: Orphanet 199, MedGen C1802395, MONDO:0010370, OMIM 300590.

Allele frequency attached by ClinVar (database versions not stated): gnomAD exomes below 0.00001.

Submission:

Labcorp Genetics (formerly Invitae), Labcorp
Classification: Uncertain significance for Congenital muscular hypertrophy-cerebral syndrome. Last evaluated: 2023-11-24. Review status: criteria provided, single submitter. Criteria: Invitae Variant Classification Sherloc (09022015). Collection method: clinical testing. Allele origin: germline.
Comment: This sequence change replaces serine, which is neutral and polar, with arginine, which is basic and polar, at codon 383 of the SMC1A protein (p.Ser383Arg). This variant is not present in population databases (gnomAD no frequency). This variant has not been reported in the literature in individuals affected with SMC1A-related conditions. Advanced modeling of protein sequence and biophysical properties (such as structural, functional, and spatial information, amino acid conservation, physicochemical variation, residue mobility, and thermodynamic stability) performed at Invitae indicates that this missense variant is not expected to disrupt SMC1A protein function with a negative predictive value of 80%. In summary, the available evidence is currently insufficient to determine the role of this variant in disease. Therefore, it has been classified as a Variant of Uncertain Significance.